The following is an entry in ClinVar:

ClinVar aggregate classification (germline): Uncertain significance (1 of 4 stars; one submission).

Submission:

GeneDx
Classification: Uncertain significance. Last evaluated: 2023-03-23. Review status: criteria provided, single submitter. Criteria: GeneDx Variant Classification Process June 2021. Collection method: clinical testing. Allele origin: germline. Affected: yes.
Comment: Not observed at significant frequency in large population cohorts (gnomAD); Frameshift variant predicted to result in protein truncation or nonsense mediated decay in a gene or region of a gene for which loss of function is not a well-established mechanism of disease; Has not been previously published as pathogenic or benign to our knowledge; Variants in candidate genes are classified as variants of uncertain significance in accordance with ACMG guidelines (Richards et al., 2015)

NM_006885.4(ZFHX3):c.5902del (p.Gln1968fs)

Genes: ZFHX3 (zinc finger homeobox 3; minus strand), ZFHX3-AS1 (ZFHX3 antisense RNA 1; plus strand). Cytogenetic location: 16q22.2.
Variant type: Deletion.
Coding change: c.5902del on transcript NM_006885.4 (MANE Select); coding-DNA position 5902, one base deleted (C; older notation c.5902delC).
Protein change: p.Gln1968fs; shifts the reading frame from glutamine 1968.
Molecular consequence: frameshift variant.
Genome position (GRCh38, 1-based): chr16:72,796,780, G deleted on the plus strand (C on the coding strand, the reverse complement: ZFHX3 is on the minus strand). VCF-style (leftmost placement, unchanged base first): chr16-72796779-TG-T. GRCh37 (hg19) VCF-style: chr16-72830678-TG-T.
Other names: c.3160del, p.Gln1054fs (NM_001164766.2); c.5902del, p.Gln1968fs (NM_001386735.1); short protein forms Q1054fs, Q1968fs.
Identifiers: ClinVar variation 3342883 (VCV003342883.1).
Genomic context (GRCh38, chr16:72,796,779, plus strand): 5'-CAGGAGTCACACTCGAGCTTTTCCAGGTTCTCTCCCTGGTCAGTCTTCCCATTCTTTTTC[TG>T]CACCTTCTGCTTGTTCTCATTATACTGGATGACCAACTCAAAGCCAAAGTTCTCCAGCAG-3'